The following is an entry in ClinVar:

ClinVar aggregate classification (germline): Uncertain significance. Review status: criteria provided, multiple submitters, no conflicts (2 of 4 stars). 2 submissions from 2 submitters: Uncertain significance (2). Last evaluated 2025-12-22.

Conditions:
Inborn genetic diseases. Identifiers: MedGen C0950123, MeSH D030342.

Allele frequency attached by ClinVar (database versions not stated): TOPMed 0.00005; gnomAD 0.00001; gnomAD exomes 0.00001.
gnomAD v4.1: 5 of 1,609,722 alleles (0.00031%); highest among the groups gnomAD compares: Admixed American, 0.0085%; no homozygotes.

Submissions (2):

Labcorp Genetics (formerly Invitae), Labcorp
Classification: Uncertain significance. Last evaluated: 2025-12-22. Review status: criteria provided, single submitter. Criteria: Invitae Variant Classification Sherloc (09022015). Collection method: clinical testing. Allele origin: germline.
Comment: This sequence change replaces serine, which is neutral and polar, with glycine, which is neutral and non-polar, at codon 1129 of the ALPK1 protein (p.Ser1129Gly). This variant is present in population databases (no rsID available, gnomAD 0.009%). This variant has not been reported in the literature in individuals affected with ALPK1-related conditions. ClinVar contains an entry for this variant (Variation ID: 2980266). An algorithm developed to predict the effect of missense changes on protein structure and function (PolyPhen-2) suggests that this variant is likely to be disruptive. In summary, the available evidence is currently insufficient to determine the role of this variant in disease. Therefore, it has been classified as a Variant of Uncertain Significance.

Ambry Genetics
Classification: Uncertain significance for Inborn genetic diseases. Last evaluated: 2023-12-16. Review status: criteria provided, single submitter. Criteria: Ambry Variant Classification Scheme 2023. Collection method: clinical testing. Allele origin: germline.

NM_025144.4(ALPK1):c.3385A>G (p.Ser1129Gly)

Gene: ALPK1 (alpha kinase 1; plus strand). Cytogenetic location: 4q25.
Variant type: single nucleotide variant.
Coding change: c.3385A>G on transcript NM_025144.4 (MANE Select); coding-DNA position 3385, A replaced by G.
Protein change: p.Ser1129Gly; replaces serine 1129 with glycine.
Molecular consequence: missense variant.
Genome position (GRCh38, 1-based): chr4:112,439,719, A>G. VCF-style: chr4-112439719-A-G. GRCh37 (hg19) VCF-style: chr4-113360875-A-G.
Other names: c.3385A>G, p.Ser1129Gly (NM_001102406.2); c.3151A>G, p.Ser1051Gly (NM_001253884.2); c.3385A>G (NM_025144.3); short protein forms S1129G, S1051G.
Identifiers: ClinVar variation 2980266 (VCV002980266.4), dbSNP rs1220511381, ClinGen allele CA357908669.